The following is an entry in ClinVar:

ClinVar aggregate classification (germline): Uncertain significance. Review status: criteria provided, multiple submitters, no conflicts (2 of 4 stars). 3 submissions from 3 submitters: Uncertain significance (3). Last evaluated 2024-06-03.

Conditions:
Noonan syndrome 9 (NS9). Identifiers: Orphanet 648, MedGen C4225282, MONDO:0014691, OMIM 616559.
Cardiovascular phenotype. Identifiers: MedGen CN230736.

Allele frequency attached by ClinVar (database versions not stated): TOPMed below 0.00001; gnomAD exomes 0.00002.
gnomAD v4.1: 14 of 1,613,838 alleles (0.00087%); highest among the groups gnomAD compares: African/African-American, 0.0013%; no homozygotes.

Submissions (3):

Labcorp Genetics (formerly Invitae), Labcorp
Classification: Uncertain significance for Noonan syndrome 9. Last evaluated: 2024-06-03. Review status: criteria provided, single submitter. Criteria: Invitae Variant Classification Sherloc (09022015). Collection method: clinical testing. Allele origin: germline.
Comment: This sequence change replaces alanine, which is neutral and non-polar, with threonine, which is neutral and polar, at codon 538 of the SOS2 protein (p.Ala538Thr). This variant is not present in population databases (gnomAD no frequency). This variant has not been reported in the literature in individuals affected with SOS2-related conditions. ClinVar contains an entry for this variant (Variation ID: 1776424). Advanced modeling of protein sequence and biophysical properties (such as structural, functional, and spatial information, amino acid conservation, physicochemical variation, residue mobility, and thermodynamic stability) has been performed at Invitae for this missense variant, however the output from this modeling did not meet the statistical confidence thresholds required to predict the impact of this variant on SOS2 protein function. In summary, the available evidence is currently insufficient to determine the role of this variant in disease. Therefore, it has been classified as a Variant of Uncertain Significance.

CeGaT Center for Human Genetics Tuebingen
Classification: Uncertain significance. Last evaluated: 2023-10-01. Review status: criteria provided, single submitter. Criteria: CeGaT Center For Human Genetics Tuebingen Variant Classification Criteria Version 2. Collection method: clinical testing. Allele origin: germline. Affected: yes. Observed: 1 variant allele.
Comment: SOS2: PM2

Ambry Genetics
Classification: Uncertain significance for Cardiovascular phenotype. Last evaluated: 2021-11-28. Review status: criteria provided, single submitter. Criteria: Ambry Variant Classification Scheme 2023. Collection method: clinical testing. Allele origin: germline.
Comment: The p.A538T variant (also known as c.1612G>A), located in coding exon 10 of the SOS2 gene, results from a G to A substitution at nucleotide position 1612. The alanine at codon 538 is replaced by threonine, an amino acid with similar properties. This amino acid position is conserved. In addition, this alteration is predicted to be tolerated by in silico analysis. Since supporting evidence is limited at this time, the clinical significance of this alteration remains unclear.

NM_006939.4(SOS2):c.1612G>A (p.Ala538Thr)

Gene: SOS2 (SOS Ras/Rho guanine nucleotide exchange factor 2; minus strand). Cytogenetic location: 14q21.3.
Variant type: single nucleotide variant.
Coding change: c.1612G>A on transcript NM_006939.4 (MANE Select); coding-DNA position 1612, G replaced by A.
Protein change: p.Ala538Thr; replaces alanine 538 with threonine.
Molecular consequence: missense variant.
Genome position (GRCh38, 1-based): chr14:50,159,671, C>T on the plus strand (G>A on the coding strand, the complement: SOS2 is on the minus strand). VCF-style: chr14-50159671-C-T. GRCh37 (hg19) VCF-style: chr14-50626389-C-T.
Other names: c.1513G>A, p.Ala505Thr (NM_001411020.1); short protein forms A505T, A538T.
Identifiers: ClinVar variation 1776424 (VCV001776424.28), dbSNP rs765427688, ClinGen allele CA260736083.
Genomic context (GRCh38, chr14:50,159,671, plus strand): 5'-TCAATAATACTGAATCTAACATTCGATCTAGAGTACTACGATAATGAAGAGAAATAAGGG[C>T]TGCCATCCAGTTGTTTTTTTCTTCAGCAGACTTAGCAGCAAATATTATGCTGTTCTCATC-3'
Protein context (NP_008870.2, residues 528-548): SAEEKNNWMA[Ala538Thr]LISLHYRSTL